The following is an entry in ClinVar:

NM_000535.7(PMS2):c.780_781delinsGA (p.Asp261Asn)

Gene: PMS2 (PMS1 homolog 2, mismatch repair system component; minus strand). Cytogenetic location: 7p22.1.
Variant type: Indel.
Coding change: c.780_781delinsGA on transcript NM_000535.7 (MANE Select); coding-DNA positions 780 to 781, CG replaced by GA.
Protein change: p.Asp261Asn; replaces aspartic acid 261 with asparagine.
Molecular consequence: missense variant. On other transcripts: 5 prime UTR variant (2), non-coding transcript variant (1).
Genome position (GRCh38, 1-based): chr7:5,997,348-5,997,349, CG replaced by TC on the plus strand (CG replaced by GA on the coding strand, the reverse complement: PMS2 is on the minus strand). VCF-style: chr7-5997348-CG-TC. GRCh37 (hg19) VCF-style: chr7-6036979-CG-TC.
Other names: c.375_376delinsGA, p.Asp126Asn (NM_001322003.2, NM_001322004.2, NM_001322005.2 and 2 more transcripts); c.780_781delinsGA, p.Asp261Asn (NM_001322006.2, NM_001322014.2); c.462_463delinsGA, p.Asp155Asn (NM_001322007.2, NM_001322008.2); c.-154_-153delinsGA (NM_001322011.2, NM_001322012.2); c.207_208delinsGA, p.Asp70Asn (NM_001322013.2); c.471_472delinsGA, p.Asp158Asn (NM_001322015.2); short protein forms D261N, D70N, D155N, D126N, D158N.
Identifiers: ClinVar variation 965632 (VCV000965632.8), dbSNP rs1784522955, ClinGen allele CA1139659574.

ClinVar aggregate classification (germline): Uncertain significance (1 of 4 stars; one submission).

Conditions:
Hereditary nonpolyposis colorectal neoplasms. Identifiers: MedGen C0009405, MeSH D003123.

Submission:

Labcorp Genetics (formerly Invitae), Labcorp
Classification: Uncertain significance for Hereditary nonpolyposis colorectal neoplasms. Last evaluated: 2024-03-06. Review status: criteria provided, single submitter. Criteria: Invitae Variant Classification Sherloc (09022015). Collection method: clinical testing. Allele origin: germline.
Comment: This sequence change replaces aspartic acid, which is acidic and polar, with asparagine, which is neutral and polar, at codon 261 of the PMS2 protein (p.Asp261Asn). Information on the frequency of this variant in the gnomAD database is not available, as this variant may be reported differently in the database. This variant has not been reported in the literature in individuals affected with PMS2-related conditions. ClinVar contains an entry for this variant (Variation ID: 965632). Experimental studies and prediction algorithms are not available or were not evaluated, and the functional significance of this variant is currently unknown. In summary, the available evidence is currently insufficient to determine the role of this variant in disease. Therefore, it has been classified as a Variant of Uncertain Significance.